The following is an entry in ClinVar:

NM_014112.5(TRPS1):c.3461A>G (p.Tyr1154Cys)

Gene: TRPS1 (transcriptional repressor GATA binding 1; minus strand). Cytogenetic location: 8q23.3.
Variant type: single nucleotide variant.
Coding change: c.3461A>G on transcript NM_014112.5 (MANE Select); coding-DNA position 3461, A replaced by G.
Protein change: p.Tyr1154Cys; replaces tyrosine 1154 with cysteine.
Molecular consequence: missense variant.
Genome position (GRCh38, 1-based): chr8:115,414,447, T>C on the plus strand (A>G on the coding strand, the complement: TRPS1 is on the minus strand). VCF-style: chr8-115414447-T-C. GRCh37 (hg19) VCF-style: chr8-116426675-T-C.
Other names: c.3434A>G, p.Tyr1145Cys (NM_001282902.3); c.3440A>G, p.Tyr1147Cys (NM_001282903.3); c.3422A>G, p.Tyr1141Cys (NM_001330599.2); short protein forms Y1141C, Y1154C, Y1145C, Y1147C.
Identifiers: ClinVar variation 4792602 (VCV004792602.1).

ClinVar aggregate classification (germline): Uncertain significance (1 of 4 stars; one submission).

Conditions:
Trichorhinophalangeal dysplasia type I (TRPS1). Also called: TRICHORHINOPHALANGEAL SYNDROME, TYPE I; TRPS I. Identifiers: Orphanet 77258, MedGen C0432233, MONDO:0008596, OMIM 190350.
Trichorhinophalangeal syndrome, type III (TRPS3). Also called: SUGIO-KAJII SYNDROME. Identifiers: Orphanet 77258, MedGen C1860823, OMIM 190351, MONDO:0008597.

gnomAD v4.1: 12 of 1,613,922 alleles (0.00074%); highest among the groups gnomAD compares: Admixed American, 0.0083%; no homozygotes.

Submission:

Labcorp Genetics (formerly Invitae), Labcorp
Classification: Uncertain significance for Trichorhinophalangeal syndrome, type III; Trichorhinophalangeal dysplasia type I. Last evaluated: 2025-03-13. Review status: criteria provided, single submitter. Criteria: Invitae Variant Classification Sherloc (09022015). Collection method: clinical testing. Allele origin: germline.
Comment: This sequence change replaces tyrosine, which is neutral and polar, with cysteine, which is neutral and slightly polar, at codon 1154 of the TRPS1 protein (p.Tyr1154Cys). This variant is present in population databases (rs756910279, gnomAD 0.006%). This variant has not been reported in the literature in individuals affected with TRPS1-related conditions. Invitae Evidence Modeling of protein sequence and biophysical properties (such as structural, functional, and spatial information, amino acid conservation, physicochemical variation, residue mobility, and thermodynamic stability) indicates that this missense variant is not expected to disrupt TRPS1 protein function with a negative predictive value of 80%. In summary, the available evidence is currently insufficient to determine the role of this variant in disease. Therefore, it has been classified as a Variant of Uncertain Significance.